The following is an entry in ClinVar:

NM_017950.4(CCDC40):c.2377G>A (p.Glu793Lys)

Gene: CCDC40 (coiled-coil domain 40 molecular ruler complex subunit; plus strand). Cytogenetic location: 17q25.3.
Variant type: single nucleotide variant.
Coding change: c.2377G>A on transcript NM_017950.4 (MANE Select); coding-DNA position 2377, G replaced by A.
Protein change: p.Glu793Lys; replaces glutamic acid 793 with lysine.
Molecular consequence: missense variant.
Genome position (GRCh38, 1-based): chr17:80,086,144, G>A. VCF-style: chr17-80086144-G-A. GRCh37 (hg19) VCF-style: chr17-78059943-G-A.
Other names: c.2377G>A, p.Glu793Lys (NM_001243342.2); short protein forms E793K.
Identifiers: ClinVar variation 1383528 (VCV001383528.6), dbSNP rs367812804, ClinGen allele CA8814181.

ClinVar aggregate classification (germline): Uncertain significance. Review status: criteria provided, multiple submitters, no conflicts (2 of 4 stars). 2 submissions from 2 submitters: Uncertain significance (2). Last evaluated 2023-11-28.

Conditions:
Primary ciliary dyskinesia. Also called: Ciliary dyskinesia. Identifiers: Orphanet 244, MedGen C0008780, MONDO:0016575, HP:0012265.

Allele frequency attached by ClinVar (database versions not stated): gnomAD exomes 0.00002; ExAC 0.00003; gnomAD 0.00003 and 0.00004; TOPMed 0.00005; ESP Exome Variant Server 0.00016.
gnomAD v4.1: 38 of 1,613,962 alleles (0.0024%); highest among the groups gnomAD compares: Non-Finnish European, 0.0031%; no homozygotes.

Submissions (2):

Blueprint Genetics
Classification: Uncertain significance. Last evaluated: 2023-11-28. Review status: criteria provided, single submitter. Criteria: ACMG Guidelines, 2015. Collection method: clinical testing. Allele origin: germline.

Labcorp Genetics (formerly Invitae), Labcorp
Classification: Uncertain significance for Primary ciliary dyskinesia. Last evaluated: 2021-08-31. Review status: criteria provided, single submitter. Criteria: Invitae Variant Classification Sherloc (09022015). Collection method: clinical testing. Allele origin: germline.
Comment: This sequence change replaces glutamic acid with lysine at codon 793 of the CCDC40 protein (p.Glu793Lys). The glutamic acid residue is moderately conserved and there is a small physicochemical difference between glutamic acid and lysine. This variant is present in population databases (rs367812804, ExAC 0.006%). This variant has not been reported in the literature in individuals affected with CCDC40-related conditions. Algorithms developed to predict the effect of missense changes on protein structure and function (SIFT, PolyPhen-2, Align-GVGD) all suggest that this variant is likely to be tolerated. In summary, the available evidence is currently insufficient to determine the role of this variant in disease. Therefore, it has been classified as a Variant of Uncertain Significance.